The following is an entry in ClinVar:

NC_000019.10:g.(?_1218407)_(1226647_?)del

Gene: STK11 (serine/threonine kinase 11; plus strand). Cytogenetic location: 19p13.3.
Variant type: Deletion.
Identifiers: ClinVar variation 830663 (VCV000830663.8).

ClinVar aggregate classification (germline): Pathogenic (1 of 4 stars; one submission).

Conditions:
Peutz-Jeghers syndrome (PJS). Also called: Peutz-Jeghers polyposis; Periorificial lentiginosis syndrome; POLYPOSIS, HAMARTOMATOUS INTESTINAL; POLYPS-AND-SPOTS SYNDROME. Identifiers: Orphanet 2869, MedGen C0031269, MeSH D010580, MONDO:0008280, OMIM 175200.

Submission:

Labcorp Genetics (formerly Invitae), Labcorp
Classification: Pathogenic for Peutz-Jeghers syndrome. Last evaluated: 2023-07-24. Review status: criteria provided, single submitter. Criteria: Invitae Variant Classification Sherloc (09022015). Collection method: clinical testing. Allele origin: germline.
Comment: For these reasons, this variant has been classified as Pathogenic. The region of the STK11 gene that includes exon(s) 3-9 has been determined to be clinically significant (PMID: 24652667, 26386697; Invitae). Therefore, deletions that encompass that region are likely to be disease-causing. A similar copy number variant has been observed in individual(s) with Peutz-Jeghers syndrome (PMID: 16287113). This variant is a gross deletion of the genomic region encompassing exon(s) 2-9 of the STK11 gene, which includes the termination codon. This deletion extends beyond the assayed region for this gene and therefore may encompass additional genes. While this deletion is not anticipated to lead to nonsense mediated decay, it is expected to alter mRNA translation or result in a truncated protein product.

Literature cited by the submitters: PubMed 24652667; PubMed 26386697; PubMed 16287113.